The following is an entry in ClinVar:

NM_015215.4(CAMTA1):c.3982A>G (p.Ile1328Val)

Genes: CAMTA1 (calmodulin binding transcription activator 1; plus strand), LOC126805603 (CDK7 strongly-dependent group 2 enhancer GRCh37_chr1:7798026-7799225; plus strand). Cytogenetic location: 1p36.23.
Variant type: single nucleotide variant.
Coding change: c.3982A>G on transcript NM_015215.4 (MANE Select); coding-DNA position 3982, A replaced by G.
Protein change: p.Ile1328Val; replaces isoleucine 1328 with valine.
Molecular consequence: missense variant. On other transcripts: intron variant (13).
Genome position (GRCh38, 1-based): chr1:7,738,282, A>G. VCF-style: chr1-7738282-A-G. GRCh37 (hg19) VCF-style: chr1-7798342-A-G.
Other names: c.3892A>G, p.Ile1298Val (NM_001349608.2); c.1111A>G, p.Ile371Val (NM_001349613.1); c.1054A>G, p.Ile352Val (NM_001349614.1, NM_001349615.2, NM_001349616.2 and 2 more transcripts); c.3659-16A>G (NM_001349609.2, NM_001349610.2, NM_001410737.1); c.3587-16A>G (NM_001410738.1); c.3569-16A>G (NM_001349612.2); c.731-16A>G (NM_001349620.1, NM_001349621.1, NM_001349625.2 and 5 more transcripts); short protein forms I1298V, I1328V, I352V, I371V.
Identifiers: ClinVar variation 3026341 (VCV003026341.22), dbSNP rs2096785514, ClinGen allele CA338133924.

ClinVar aggregate classification (germline): Uncertain significance (1 of 4 stars; one submission).

gnomAD v4.1: 11 of 1,614,112 alleles (0.00068%); highest among the groups gnomAD compares: Non-Finnish European, 0.00085%; no homozygotes.

Submission:

CeGaT Center for Human Genetics Tuebingen
Classification: Uncertain significance. Last evaluated: 2024-01-01. Review status: criteria provided, single submitter. Criteria: CeGaT Center For Human Genetics Tuebingen Variant Classification Criteria Version 2. Collection method: clinical testing. Allele origin: germline. Affected: yes. Observed: 1 variant allele.
Comment: CAMTA1: PM2, BP4